The following is an entry in ClinVar:

ClinVar aggregate classification (germline): Uncertain significance. Review status: criteria provided, multiple submitters, no conflicts (2 of 4 stars). 2 submissions from 2 submitters: Uncertain significance (2). Last evaluated 2025-07-08.

Conditions:
Inborn genetic diseases. Identifiers: MedGen C0950123, MeSH D030342.

Allele frequency attached by ClinVar (database versions not stated): gnomAD 0.00002; TOPMed 0.00006.
gnomAD v4.1: 11 of 1,613,796 alleles (0.00068%); highest among the groups gnomAD compares: Admixed American, 0.017%; no homozygotes.

Submissions (2):

Labcorp Genetics (formerly Invitae), Labcorp
Classification: Uncertain significance. Last evaluated: 2025-07-08. Review status: criteria provided, single submitter. Criteria: Invitae Variant Classification Sherloc (09022015). Collection method: clinical testing. Allele origin: germline.
Comment: This sequence change replaces serine, which is neutral and polar, with glycine, which is neutral and non-polar, at codon 151 of the CDH2 protein (p.Ser151Gly). This variant is present in population databases (rs765538223, gnomAD 0.01%). This variant has not been reported in the literature in individuals affected with CDH2-related conditions. ClinVar contains an entry for this variant (Variation ID: 1741184). An algorithm developed to predict the effect of missense changes on protein structure and function (PolyPhen-2) suggests that this variant is likely to be tolerated. In summary, the available evidence is currently insufficient to determine the role of this variant in disease. Therefore, it has been classified as a Variant of Uncertain Significance.

Ambry Genetics
Classification: Uncertain significance for Inborn genetic diseases. Last evaluated: 2024-08-19. Review status: criteria provided, single submitter. Criteria: Ambry Variant Classification Scheme 2023. Collection method: clinical testing. Allele origin: germline.
Comment: The p.S151G variant (also known as c.451A>G), located in coding exon 4 of the CDH2 gene, results from an A to G substitution at nucleotide position 451. The serine at codon 151 is replaced by glycine, an amino acid with similar properties. This amino acid position is conserved. In addition, this alteration is predicted to be tolerated by in silico analysis. Since supporting evidence is limited at this time, the clinical significance of this alteration remains unclear.

NM_001792.5(CDH2):c.451A>G (p.Ser151Gly)

Gene: CDH2 (cadherin 2; minus strand). Cytogenetic location: 18q12.1.
Variant type: single nucleotide variant.
Coding change: c.451A>G on transcript NM_001792.5 (MANE Select); coding-DNA position 451, A replaced by G.
Protein change: p.Ser151Gly; replaces serine 151 with glycine.
Molecular consequence: missense variant.
Genome position (GRCh38, 1-based): chr18:28,011,941, T>C on the plus strand (A>G on the coding strand, the complement: CDH2 is on the minus strand). VCF-style: chr18-28011941-T-C. GRCh37 (hg19) VCF-style: chr18-25591905-T-C.
Other names: c.358A>G, p.Ser120Gly (NM_001308176.2); short protein forms S151G, S120G.
Identifiers: ClinVar variation 1741184 (VCV001741184.8), dbSNP rs765538223, ClinGen allele CA8923682.